The following is an entry in ClinVar:

ClinVar aggregate classification (germline): Likely pathogenic (1 of 4 stars; one submission).

Conditions:
TP63-Related Spectrum Disorders.

Submission:

Labcorp Genetics (formerly Invitae), Labcorp
Classification: Likely pathogenic. Last evaluated: 2022-11-29. Review status: criteria provided, single submitter. Criteria: Invitae Variant Classification Sherloc (09022015). Collection method: clinical testing. Allele origin: germline.
Comment: ClinVar contains an entry for this variant (Variation ID: 651785). This sequence change replaces cysteine, which is neutral and slightly polar, with phenylalanine, which is neutral and non-polar, at codon 312 of the TP63 protein (p.Cys312Phe). This variant is not present in population databases (gnomAD no frequency). This missense change has been observed in individual(s) with clinical features of TP63-related disease (Invitae). Advanced modeling of protein sequence and biophysical properties (such as structural, functional, and spatial information, amino acid conservation, physicochemical variation, residue mobility, and thermodynamic stability) performed at Invitae indicates that this missense variant is expected to disrupt TP63 protein function. This variant disrupts the p.Cys312 amino acid residue in TP63. Other variant(s) that disrupt this residue have been observed in individuals with TP63-related conditions (PMID: 12037717), which suggests that this may be a clinically significant amino acid residue. In summary, the currently available evidence indicates that the variant is pathogenic, but additional data are needed to prove that conclusively. Therefore, this variant has been classified as Likely Pathogenic.

Literature cited by the submitters: PubMed 12037717.

NM_003722.5(TP63):c.935G>T (p.Cys312Phe)

Gene: TP63 (tumor protein p63; plus strand). Cytogenetic location: 3q28.
Variant type: single nucleotide variant.
Coding change: c.935G>T on transcript NM_003722.5 (MANE Select); coding-DNA position 935, G replaced by T.
Protein change: p.Cys312Phe; replaces cysteine 312 with phenylalanine.
Molecular consequence: missense variant.
Genome position (GRCh38, 1-based): chr3:189,867,885, G>T. VCF-style: chr3-189867885-G-T. GRCh37 (hg19) VCF-style: chr3-189585674-G-T.
Other names: c.935G>T, p.Cys312Phe (NM_001114978.2, NM_001114979.2, NM_001329144.2 and 1 more transcripts); c.653G>T, p.Cys218Phe (NM_001114980.2, NM_001114981.2, NM_001114982.2 and 2 more transcripts); c.398G>T, p.Cys133Phe (NM_001329146.2, NM_001329150.2); c.929G>T, p.Cys310Phe (NM_001329964.2); short protein forms C218F, C310F, C133F, C312F.
Identifiers: ClinVar variation 651785 (VCV000651785.4), dbSNP rs1057520664, ClinGen allele CA355754957.
Genomic context (GRCh38, chr3:189,867,885, plus strand): 5'-GTTTTCAGGTTGGCACTGAATTCACGACAGTCTTGTACAATTTCATGTGTAACAGCAGTT[G>T]TGTTGGAGGGATGAACCGCCGTCCAATTTTAATCATTGTTACTCTGGAAACCAGAGAGTA-3'
Protein context (NP_003713.3, residues 302-322): VLYNFMCNSS[Cys312Phe]VGGMNRRPIL